The following is an entry in ClinVar:

ClinVar aggregate classification (germline): Uncertain significance (1 of 4 stars; one submission).

Conditions:
Hypophosphatasia. Also called: Phosphoethanol-aminuria. Identifiers: Orphanet 436, MedGen C0020630, MeSH D007014, MONDO:0018570.

Submission:

Genomenon, Inc
Classification: Uncertain significance for Hypophosphatasia. Last evaluated: 2025-08-29. Review status: criteria provided, single submitter. Criteria: Genomenon Sequence Variant Interpretation Standards. Collection method: curation. Allele origin: germline. Affected: yes.
Comment: ALPL p.Val431Asp (c.1292T>A) is a missense variant that changes the amino acid at residue 431 from Valine to Aspartic acid. This variant has been observed in at least one proband affected with hypophosphatasia (PMID:30929401). It is absent or not present at a significant frequency in gnomAD. In silico models agree that this variant is possibly or probably damaging. In conclusion, we classify ALPL p.Val431Asp (c.1292T>A) as a variant of unknown significance.

Literature cited by the submitters: PubMed 30929401.

NM_000478.6(ALPL):c.1292T>A (p.Val431Asp)

Gene: ALPL (alkaline phosphatase, biomineralization associated; plus strand). Cytogenetic location: 1p36.12.
Variant type: single nucleotide variant.
Coding change: c.1292T>A on transcript NM_000478.6 (MANE Select); coding-DNA position 1292, T replaced by A.
Protein change: p.Val431Asp; replaces valine 431 with aspartic acid.
Molecular consequence: missense variant.
Genome position (GRCh38, 1-based): chr1:21,576,624, T>A. VCF-style: chr1-21576624-T-A. GRCh37 (hg19) VCF-style: chr1-21903117-T-A.
Other names: c.1127T>A, p.Val376Asp (NM_001127501.4); c.1061T>A, p.Val354Asp (NM_001177520.3); c.1292T>A, p.Val431Asp (NM_001369803.2, NM_001369804.2, NM_001369805.2); short protein forms V354D, V376D, V431D.
Identifiers: ClinVar variation 4086890 (VCV004086890.1).